The following is an entry in ClinVar:

ClinVar aggregate classification (germline): Uncertain significance (1 of 4 stars; one submission).

Conditions:
Cardiovascular phenotype. Identifiers: MedGen CN230736.
Hereditary cancer-predisposing syndrome. Also called: Tumor predisposition; Hereditary neoplastic syndrome; Neoplastic Syndromes, Hereditary; Hereditary Cancer Syndrome. Identifiers: Orphanet 140162, MedGen C0027672, MeSH D009386, MONDO:0015356.

Submission:

Ambry Genetics
Classification: Uncertain significance for Cardiovascular phenotype; Hereditary cancer-predisposing syndrome. Last evaluated: 2025-06-14. Review status: criteria provided, single submitter. Criteria: Ambry Variant Classification Scheme 2023. Collection method: clinical testing. Allele origin: germline.
Comment: The p.R275G variant (also known as c.823C>G), located in coding exon 9 of the LZTR1 gene, results from a C to G substitution at nucleotide position 823. The arginine at codon 275 is replaced by glycine, an amino acid with dissimilar properties. This amino acid position is conserved. In addition, the in silico prediction for this alteration is inconclusive. Based on the available evidence, the clinical significance of this variant remains unclear.

NM_006767.4(LZTR1):c.823C>G (p.Arg275Gly)

Gene: LZTR1 (leucine zipper like post translational regulator 1; plus strand). Cytogenetic location: 22q11.21.
Variant type: single nucleotide variant.
Coding change: c.823C>G on transcript NM_006767.4 (MANE Select); coding-DNA position 823, C replaced by G.
Protein change: p.Arg275Gly; replaces arginine 275 with glycine.
Molecular consequence: missense variant.
Genome position (GRCh38, 1-based): chr22:20,991,659, C>G. VCF-style: chr22-20991659-C-G. GRCh37 (hg19) VCF-style: chr22-21345948-C-G.
Other names: short protein forms R275G.
Identifiers: ClinVar variation 3995841 (VCV003995841.1).